The following is an entry in ClinVar:

NM_006254.4(PRKCD):c.1797C>G (p.Ile599Met)

Gene: PRKCD (protein kinase C delta; plus strand). Cytogenetic location: 3p21.1.
Variant type: single nucleotide variant.
Coding change: c.1797C>G on transcript NM_006254.4 (MANE Select); coding-DNA position 1797, C replaced by G.
Protein change: p.Ile599Met; replaces isoleucine 599 with methionine.
Molecular consequence: missense variant.
Genome position (GRCh38, 1-based): chr3:53,189,926, C>G. VCF-style: chr3-53189926-C-G. GRCh37 (hg19) VCF-style: chr3-53223942-C-G.
Other names: c.1797C>G, p.Ile599Met (NM_001316327.2, NM_001354679.2, NM_001354680.2 and 1 more transcripts); c.1854C>G, p.Ile618Met (NM_001354676.2); c.1845C>G, p.Ile615Met (NM_001354678.2); short protein forms I618M, I599M, I615M.
Identifiers: ClinVar variation 1951884 (VCV001951884.5), dbSNP rs781873887, ClinGen allele CA74816258.

ClinVar aggregate classification (germline): Uncertain significance (1 of 4 stars; one submission).

Conditions:
Autoimmune lymphoproliferative syndrome, type III caused by mutation in PRKCD. Identifiers: Orphanet 3261, Orphanet 664711, MedGen C3809928, MONDO:8000024, OMIM 615559.

gnomAD v4.1: 8 of 1,614,190 alleles (0.0005%); highest among the groups gnomAD compares: Non-Finnish European, 0.00068%; no homozygotes.

Submission:

Labcorp Genetics (formerly Invitae), Labcorp
Classification: Uncertain significance for Autoimmune lymphoproliferative syndrome, type III caused by mutation in PRKCD. Last evaluated: 2022-02-14. Review status: criteria provided, single submitter. Criteria: Invitae Variant Classification Sherloc (09022015). Collection method: clinical testing. Allele origin: germline.
Comment: In summary, the available evidence is currently insufficient to determine the role of this variant in disease. Therefore, it has been classified as a Variant of Uncertain Significance. Algorithms developed to predict the effect of missense changes on protein structure and function (SIFT, PolyPhen-2, Align-GVGD) all suggest that this variant is likely to be tolerated. This variant is present in population databases (rs781873887, gnomAD 0.0009%). This variant has not been reported in the literature in individuals affected with PRKCD-related conditions. This sequence change replaces isoleucine, which is neutral and non-polar, with methionine, which is neutral and non-polar, at codon 599 of the PRKCD protein (p.Ile599Met).